The following is an entry in ClinVar:

NM_015015.3(KDM4B):c.2329G>T (p.Glu777Ter)

Gene: KDM4B (lysine demethylase 4B; plus strand). Cytogenetic location: 19p13.3.
Variant type: single nucleotide variant.
Coding change: c.2329G>T on transcript NM_015015.3 (MANE Select); coding-DNA position 2329, G replaced by T.
Protein change: p.Glu777Ter; replaces glutamic acid 777 with a stop codon.
Molecular consequence: nonsense.
Genome position (GRCh38, 1-based): chr19:5,137,282, G>T. VCF-style: chr19-5137282-G-T. GRCh37 (hg19) VCF-style: chr19-5137293-G-T.
Other names: c.2431G>T, p.Glu811Ter (NM_001411148.1); short protein forms E777*, E811*.
Identifiers: ClinVar variation 4056537 (VCV004056537.1).

ClinVar aggregate classification (germline): Likely pathogenic (1 of 4 stars; one submission).

Conditions:
Intellectual developmental disorder, autosomal dominant 65. Also called: MENTAL RETARDATION, AUTOSOMAL DOMINANT 65. Identifiers: MedGen C5543371, MONDO:0023657, OMIM 619320.

Submission:

Laboratorio de Genetica e Diagnostico Molecular, Hospital Israelita Albert Einstein
Classification: Likely pathogenic for Intellectual developmental disorder, autosomal dominant 65. Last evaluated: 2024-01-19. Review status: criteria provided, single submitter. Criteria: ACMG Guidelines, 2015. Collection method: clinical testing. Allele origin: germline. Affected: yes.
Comment: ACMG classification criteria: PVS1 very strong, PM2 supporting